The following is an entry in ClinVar:

NM_006005.3(WFS1):c.2508G>C (p.Lys836Asn)

Gene: WFS1 (wolframin ER transmembrane glycoprotein; plus strand). Cytogenetic location: 4p16.1.
Variant type: single nucleotide variant.
Coding change: c.2508G>C on transcript NM_006005.3 (MANE Select); coding-DNA position 2508, G replaced by C.
Protein change: p.Lys836Asn; replaces lysine 836 with asparagine.
Molecular consequence: missense variant.
Genome position (GRCh38, 1-based): chr4:6,302,303, G>C. VCF-style: chr4-6302303-G-C. GRCh37 (hg19) VCF-style: chr4-6304030-G-C.
Other names: c.2508G>C, p.Lys836Asn (NM_001145853.1); short protein forms K836N.
Identifiers: ClinVar variation 228313 (VCV000228313.10), dbSNP rs876657675, ClinGen allele CA10576641.

ClinVar aggregate classification (germline): Pathogenic/Likely pathogenic. Review status: criteria provided, multiple submitters, no conflicts (2 of 4 stars). 5 submissions from 5 submitters: Pathogenic (2); Likely pathogenic (2). 1 of the submissions does not count toward it. Last evaluated 2026-06-29.

Conditions:
WFS1-related disorder. Identifiers: MedGen CN379391, MONDO:0700293.
Rare genetic deafness. Identifiers: Orphanet 96210, MedGen C5680250.
Wolfram-like syndrome. Also called: HEARING LOSS, PROGRESSIVE, WITH OPTIC ATROPHY AND/OR IMPAIRED GLUCOSE REGULATION. Identifiers: Orphanet 411590, MedGen C3280358, MONDO:0013673, OMIM 614296.

Submissions (5):

PreventionGenetics, part of Exact Sciences
Classification: Pathogenic for WFS1-related condition. Last evaluated: 2026-06-29. Review status: criteria provided, single submitter. Criteria: ACMG Guidelines, 2015. Collection method: clinical testing. Allele origin: germline.
Comment: The WFS1 c.2508G>C variant is predicted to result in the amino acid substitution p.Lys836Asn. This variant has been to be causative for autosomal dominant optic atrophy with hearing impairment and segregated with disease in a family over multiple generations (Hogewind et al. 2010. PubMed ID: 20069065). This variant has not been reported in a large population database (gnomAD), indicating this variant is rare. This variant is interpreted as pathogenic.

Centre for Clinical Genetics and Genomic Diagnostics, Zealand University Hospital
Classification: Likely pathogenic. Last evaluated: 2025-06-11. Review status: criteria provided, single submitter. Criteria: ACMG Guidelines, 2015. Collection method: clinical testing. Allele origin: germline. Affected: yes.

Blueprint Genetics
Classification: Pathogenic for WFS1-related disorders. Last evaluated: 2022-10-26. Review status: criteria provided, single submitter. Criteria: ACMG Guidelines, 2015. Collection method: clinical testing. Allele origin: germline. Affected: yes. Observed: 1 variant allele.

Laboratory for Molecular Medicine, Mass General Brigham Personalized Medicine
Classification: Likely pathogenic for Rare genetic deafness. Last evaluated: 2016-04-03. Review status: criteria provided, single submitter. Criteria: LMM Criteria. Collection method: clinical testing. Allele origin: germline. Inheritance: Autosomal dominant inheritance. Observed: 2 variant alleles.
Comment: In addition, both of these variants were absent in la rge population studies. Variants in the WFS1 gene have been associated with auto somal dominant low frequency sensorineural hearing loss, autosomal dominant Wolf ram-like syndrome, and autosomal recessive Wolfram syndrome (also known as DIDMO AD). In summary, although additional studies are required to fully establish its clinical significance, this variant is likely pathogenic based on previous repo rts and segregation with disease.

OMIM
Classification: Pathogenic for WOLFRAM-LIKE SYNDROME, AUTOSOMAL DOMINANT. Last evaluated: 2010-01-12. Review status: no assertion criteria provided. Collection method: literature only. Allele origin: germline. Not counted in ClinVar's aggregate classification.

Literature cited by the submitters: PubMed 19877185 (cited by Laboratory for Molecular Medicine, Mass General Brigham Personalized Medicine); PubMed 20069065 (cited by Laboratory for Molecular Medicine, Mass General Brigham Personalized Medicine and OMIM).